The following is an entry in ClinVar:

ClinVar aggregate classification (germline): Pathogenic/Likely pathogenic. Review status: criteria provided, multiple submitters, no conflicts (2 of 4 stars). 2 submissions from 2 submitters: Pathogenic (1); Likely pathogenic (1). Last evaluated 2017-05-17.

Conditions:
Rubinstein-Taybi syndrome (RSTS). Identifiers: Orphanet 783, MedGen C0035934, MONDO:0019188.
Rubinstein-Taybi syndrome due to CREBBP mutations (RSTS1). Also called: RUBINSTEIN SYNDROME; RUBINSTEIN-TAYBI SYNDROME 1, INCOMPLETE; BROAD THUMB-HALLUX SYNDROME; CREBBP-Related Rubinstein-Taybi Syndrome; Rubinstein-Taybi syndrome 1; BROAD THUMBS AND GREAT TOES, CHARACTERISTIC FACIES, AND IMPAIRED INTELLECTUAL DEVELOPMENT. Identifiers: Orphanet 353277, Orphanet 783, MedGen C4551859, MONDO:0008393, OMIM 180849.

Submissions (2):

Labcorp Genetics (formerly Invitae), Labcorp
Classification: Pathogenic for Rubinstein-Taybi syndrome. Last evaluated: 2017-05-17. Review status: criteria provided, single submitter. Criteria: Invitae Variant Classification Sherloc (09022015). Collection method: clinical testing. Allele origin: germline.
Comment: Two different truncations downstream of this variant (p.Ser2015Alafs*25 and p.Gln2022Argfs*16) have been determined to be pathogenic (PMID: 17052327). This suggests that deletion of this region of the CREBBP protein is causative of disease. For these reasons, this variant has been classified as Pathogenic. This variant has not been reported in the literature in individuals with a CREBBP-related disease. This variant is not present in population databases (ExAC no frequency). This sequence change results in a premature translational stop signal in the CREBBP (p.Ser1898Argfs*14). While this is not anticipated to result in nonsense mediated decay, it is expected to disrupt the last 545 amino acids of the CREBBP protein.

Neuberg Centre For Genomic Medicine, NCGM
Classification: Likely pathogenic for Rubinstein-Taybi syndrome due to CREBBP mutations. Review status: criteria provided, single submitter. Criteria: ACMG Guidelines, 2015. Collection method: clinical testing. Allele origin: germline. Inheritance: Autosomal dominant inheritance. Affected: yes.
Comment: The observed frameshift c.5694_5703del (p.Ser1898ArgfsTer14) variant in CREBBP gene has not been reported previously as a pathogenic variant nor as a benign variant, to our knowledge. The p.Ala420ProfsTer11 variant is absent in gnomAD Exomes. This variant has been submitted to the ClinVar database as Pathogenic. This variant causes a frameshift starting with codon Serine 1898, changes this amino acid to Arginine residue, and creates a premature Stop codon at position 14 of the new reading frame, denoted p.Ser1898ArgfsTer14. This variant is predicted to cause loss of normal protein function through protein truncation. Loss of function variants of CREBBP gene have been previously reported to be disease causing (Bentivegna et al., 2006). However, additional functional studies will be required to prove the pathogenicity of this variant. For these reasons, this variant has been classified as Likely Pathogenic.

Literature cited by the submitters: PubMed 17052327 (cited by Labcorp Genetics (formerly Invitae), Labcorp).

NM_004380.3(CREBBP):c.5694_5703del (p.Ser1898fs)

Gene: CREBBP (CREB binding lysine acetyltransferase; minus strand). Cytogenetic location: 16p13.3.
Variant type: Deletion.
Coding change: c.5694_5703del on transcript NM_004380.3 (MANE Select); coding-DNA positions 5694 to 5703, 10 bases deleted (CACACCCCAG; older notation c.5694_5703delCACACCCCAG).
Protein change: p.Ser1898fs; shifts the reading frame from serine 1898.
Molecular consequence: frameshift variant.
Genome position (GRCh38, 1-based): chr16:3,729,344-3,729,353, CTGGGGTGTG deleted on the plus strand (CACACCCCAG on the coding strand, the reverse complement: CREBBP is on the minus strand); deleting any 10 consecutive bases within chr16:3,729,344-3,729,358 gives the same sequence; the c. name uses the placement nearest the transcript's 3' end. VCF-style (leftmost placement, unchanged base first): chr16-3729343-TCTGGGGTGTG-T. GRCh37 (hg19) VCF-style: chr16-3779344-TCTGGGGTGTG-T.
Other names: c.5694_5703delCACACCCCAG (NM_004380.2); c.5580_5589del, p.Ser1860fs (NM_001079846.1); short protein forms S1860fs, S1898fs.
Identifiers: ClinVar variation 458203 (VCV000458203.11), dbSNP rs1555471323, ClinGen allele CA658658386.